The following is an entry in ClinVar:

NM_001377540.1(SLMAP):c.*58A>G

Gene: SLMAP (sarcolemma associated protein; plus strand). Cytogenetic location: 3p14.3.
Variant type: single nucleotide variant.
Coding change: c.*58A>G on transcript NM_001377540.1 (MANE Select); 58 bases downstream of the stop codon, A replaced by G.
Molecular consequence: 3 prime UTR variant. On other transcripts: missense variant (10), non-coding transcript variant (1).
Genome position (GRCh38, 1-based): chr3:57,927,347, A>G. VCF-style: chr3-57927347-A-G. GRCh37 (hg19) VCF-style: chr3-57913074-A-G.
Other names: c.2332A>G, p.Ile778Val (NM_001377557.1, NM_001304421.2); c.*58A>G (NM_001377559.1, NM_001377562.1, NM_001377921.1 and 12 more transcripts); c.925A>G, p.Ile309Val (NM_001377926.1); c.2395A>G, p.Ile799Val (NM_007159.5); c.2446A>G, p.Ile816Val (NM_001304420.3); c.1048A>G, p.Ile350Val (NM_001304422.3); c.850A>G, p.Ile284Val (NM_001304423.3); c.2518A>G, p.Ile840Val (NM_001377538.1); and 2 more; short protein forms I284V, I840V, I309V, I350V, I778V, I799V, I833V, I795V.
Identifiers: ClinVar variation 3798750 (VCV003798750.1).
Genomic context (GRCh38, chr3:57,927,347, plus strand): 5'-TCCACACAGAAACCCTGGCCCTGGATGCCCATGTTGGCTGCCCTGGTTGCAGTAACAGCC[A>G]TCGTGCTGTACGTGCCAGGTCTGGCCAGAGCTTCTCCATGAGAGCGTTCCTTGAGTCCGT-3'

ClinVar aggregate classification (germline): Uncertain significance (1 of 4 stars; one submission).

Submission:

Ambry Genetics
Classification: Uncertain significance. Last evaluated: 2025-01-21. Review status: criteria provided, single submitter. Criteria: Ambry Variant Classification Scheme 2023. Collection method: clinical testing. Allele origin: germline.
Comment: The p.I799V variant (also known as c.2395A>G), located in coding exon 21 of the SLMAP gene, results from an A to G substitution at nucleotide position 2395. The isoleucine at codon 799 is replaced by valine, an amino acid with highly similar properties. This amino acid position is conserved. In addition, this alteration is predicted to be tolerated by in silico analysis. Based on the available evidence, the clinical significance of this variant remains unclear.